The following is an entry in ClinVar:

NM_007294.4(BRCA1):c.679G>T (p.Glu227Ter)

Gene: BRCA1 (BRCA1 DNA repair associated; minus strand). Cytogenetic location: 17q21.31.
Variant type: single nucleotide variant.
Coding change: c.679G>T on transcript NM_007294.4 (MANE Select); coding-DNA position 679, G replaced by T.
Protein change: p.Glu227Ter; replaces glutamic acid 227 with a stop codon.
Molecular consequence: nonsense. On other transcripts: non-coding transcript variant (1).
Genome position (GRCh38, 1-based): chr17:43,094,852, C>A on the plus strand (G>T on the coding strand, the complement: BRCA1 is on the minus strand). VCF-style: chr17-43094852-C-A. GRCh37 (hg19) VCF-style: chr17-41246869-C-A.
Other names: c.538G>T, p.Glu180Ter (NM_001407945.1, NM_001408410.1, NM_001408452.1 and 43 more transcripts); c.346G>T, p.Glu116Ter (NM_001407946.1, NM_001407947.1, NM_001407948.1 and 7 more transcripts); c.466G>T, p.Glu156Ter (NM_001407571.1, NM_001408490.1, NM_001408491.1 and 12 more transcripts); c.679G>T, p.Glu227Ter (NM_001407581.1, NM_001407582.1, NM_001407583.1 and 54 more transcripts); c.676G>T, p.Glu226Ter (NM_001407587.1, NM_001407590.1, NM_001407591.1 and 38 more transcripts); c.343G>T, p.Glu115Ter (NM_001407954.1, NM_001407955.1, NM_001407956.1 and 3 more transcripts); c.298G>T, p.Glu100Ter (NM_001407959.1, NM_001407960.1, NM_001407963.1 and 1 more transcripts); c.295G>T, p.Glu99Ter (NM_001407962.1); and 14 more; short protein forms E227*, E180*, E139*, E160*, E179*, E200*, E59*, E157*.
Identifiers: ClinVar variation 252435 (VCV000252435.16), dbSNP rs879255319, ClinGen allele CA10585944.

ClinVar aggregate classification (germline): Pathogenic. Review status: reviewed by expert panel (3 of 4 stars). 6 submissions from 6 submitters: Pathogenic (1). 5 of the submissions do not count toward it. Last evaluated 2017-12-15.

Conditions:
Hereditary cancer-predisposing syndrome. Also called: Hereditary Cancer Syndrome; Neoplastic Syndromes, Hereditary; Hereditary neoplastic syndrome; Tumor predisposition. Identifiers: Orphanet 140162, MedGen C0027672, MeSH D009386, MONDO:0015356.
Hereditary breast ovarian cancer syndrome. Also called: Hereditary breast and ovarian cancer syndrome (HBOC); Breast and ovarian cancer; Hereditary breast and ovarian cancer syndrome; Hereditary breast and ovarian cancer; BRCA1- and BRCA2-Associated Hereditary Breast and Ovarian Cancer; Hereditary breast and/or ovarian cancer syndrome. Identifiers: Orphanet 145, MedGen C0677776, MeSH D061325, MONDO:0003582. Disease mechanism: loss of function.
Breast-ovarian cancer, familial, susceptibility to, 1 (BROVCA1). Also called: BRCA1 Hereditary Breast and Ovarian Cancer; OVARIAN CANCER, SUSCEPTIBILITY TO. Identifiers: Orphanet 145, MedGen C2676676, MONDO:0011450, OMIM 604370. Disease mechanism: loss of function.

Submissions (6):

Evidence-based Network for the Interpretation of Germline Mutant Alleles (ENIGMA)
Classification: Pathogenic for Breast-ovarian cancer, familial, susceptibility to, 1. Last evaluated: 2017-12-15. Review status: reviewed by expert panel. Criteria: ENIGMA BRCA1/2 Classification Criteria (2017-06-29). Collection method: curation. Allele origin: germline. Study: ENIGMA.
Comment: Variant allele predicted to encode a truncated non-functional protein.

Dasa
Classification: Pathogenic for Breast-ovarian cancer, familial, susceptibility to, 1. Last evaluated: 2026-04-22. Review status: criteria provided, single submitter. Criteria: DASA Assertion Criteria. Collection method: clinical testing. Allele origin: germline. Not counted in ClinVar's aggregate classification.
Comment: NM_007294.4(BRCA1):c.679G>T (p.Glu227*) introduces a premature termination codon predicted to result in loss of normal protein function. Loss-of-function is an established mechanism of disease for this gene. The variant is present at low frequency in population datasets. Based on the available data, this variant is classified as pathogenic.

Ambry Genetics
Classification: Pathogenic for Hereditary cancer-predisposing syndrome. Last evaluated: 2024-10-04. Review status: criteria provided, single submitter. Criteria: Ambry Variant Classification Scheme 2023. Collection method: clinical testing. Allele origin: germline. Not counted in ClinVar's aggregate classification.
Comment: The p.E227* pathogenic mutation (also known as c.679G>T), located in coding exon 9 of the BRCA1 gene, results from a G to T substitution at nucleotide position 679. This changes the amino acid from a glutamic acid to a stop codon within coding exon 9. In addition to the clinical data presented in the literature, this alteration is expected to result in loss of function by premature protein truncation or nonsense-mediated mRNA decay. As such, this alteration is interpreted as a disease-causing mutation.

Labcorp Genetics (formerly Invitae), Labcorp
Classification: Pathogenic for Hereditary breast ovarian cancer syndrome. Last evaluated: 2024-02-26. Review status: criteria provided, single submitter. Criteria: Invitae Variant Classification Sherloc (09022015). Collection method: clinical testing. Allele origin: germline. Not counted in ClinVar's aggregate classification.
Comment: This sequence change creates a premature translational stop signal (p.Glu227*) in the BRCA1 gene. It is expected to result in an absent or disrupted protein product. Loss-of-function variants in BRCA1 are known to be pathogenic (PMID: 20104584). This variant is not present in population databases (gnomAD no frequency). This premature translational stop signal has been observed in individual(s) with personal and/or family history of breast and ovarian cancer (PMID: 29907814). ClinVar contains an entry for this variant (Variation ID: 252435). Algorithms developed to predict the effect of sequence changes on RNA splicing suggest that this variant may disrupt the consensus splice site. For these reasons, this variant has been classified as Pathogenic.

Mendelics
Classification: Pathogenic for Breast-ovarian cancer, familial, susceptibility to, 1. Last evaluated: 2019-05-28. Review status: criteria provided, single submitter. Criteria: Mendelics Assertion Criteria 2017. Collection method: clinical testing. Allele origin: unknown. Not counted in ClinVar's aggregate classification.

GeneKor MSA
Classification: Pathogenic. Last evaluated: 2016-07-01. Review status: criteria provided, single submitter. Criteria: ACMG Guidelines, 2015. Collection method: clinical testing. Allele origin: germline. Not counted in ClinVar's aggregate classification.

Literature cited by the submitters: PubMed 20104584 (cited by Labcorp Genetics (formerly Invitae), Labcorp); PubMed 29907814 (cited by Labcorp Genetics (formerly Invitae), Labcorp).